The following is an entry in ClinVar:

NM_001367873.1(SOX6):c.2048A>G (p.Glu683Gly)

Gene: SOX6 (SRY-box transcription factor 6; minus strand). Cytogenetic location: 11p15.2.
Variant type: single nucleotide variant.
Coding change: c.2048A>G on transcript NM_001367873.1 (MANE Select); coding-DNA position 2048, A replaced by G.
Protein change: p.Glu683Gly; replaces glutamic acid 683 with glycine.
Molecular consequence: missense variant.
Genome position (GRCh38, 1-based): chr11:15,986,339, T>C on the plus strand (A>G on the coding strand, the complement: SOX6 is on the minus strand). VCF-style: chr11-15986339-T-C. GRCh37 (hg19) VCF-style: chr11-16007885-T-C.
Other names: c.1967A>G, p.Glu656Gly (NM_001145811.2, NM_017508.3); c.2048A>G, p.Glu683Gly (NM_001145819.2); c.1925A>G, p.Glu642Gly (NM_001367872.1); c.1988A>G, p.Glu663Gly (NM_033326.3); short protein forms E642G, E656G, E663G, E683G.
Identifiers: ClinVar variation 4076199 (VCV004076199.1).
Genomic context (GRCh38, chr11:15,986,339, plus strand): 5'-TTGCCATCAACAATGCAGGTGCGTTTCGGTCGGGGTTTGTATTTATAGTTTGGGTACTTC[T>C]CTAAGTGGATCTTGCTTAGCCGGGCCTGCTCTTCATAATAAGGTTGCTTCTCCTGGTTGG-3'
Protein context (NP_001354802.1, residues 673-693): EQARLSKIHL[Glu683Gly]KYPNYKYKPR

ClinVar aggregate classification (germline): Uncertain significance (1 of 4 stars; one submission).

Conditions:
Tolchin-Le Caignec syndrome. Also called: INTELLECTUAL DEVELOPMENTAL DISORDER WITH BEHAVIORAL ABNORMALITIES AND VARIABLE BONE DEFECTS. Identifiers: MedGen C5436509, MONDO:0033544, OMIM 618971.

Submission:

Laboratorio de Genetica e Diagnostico Molecular, Hospital Israelita Albert Einstein
Classification: Uncertain significance for Tolchin-Le Caignec syndrome. Last evaluated: 2024-08-09. Review status: criteria provided, single submitter. Criteria: ACMG Guidelines, 2015. Collection method: clinical testing. Allele origin: germline. Affected: yes.
Comment: ACMG classification criteria: PM2 supporting, PP2 supporting, PP3 supporting